The following is an entry in ClinVar:

NM_152564.5(VPS13B):c.9331-15_9331-3dup

Gene: VPS13B (vacuolar protein sorting 13 homolog B; plus strand). Cytogenetic location: 8q22.2.
Variant type: Duplication.
Coding change: c.9331-15_9331-3dup on transcript NM_152564.5 (MANE Select); 15 bases into the intron before coding-DNA position 9331 through 3 bases into the intron before coding-DNA position 9331, 13 bases duplicated (TTTTTTTTTTTTT).
Molecular consequence: intron variant.
Genome position (GRCh38, 1-based): chr8:99,832,354-99,832,366, TTTTTTTTTTTTT duplicated; duplicating any 13 consecutive bases within chr8:99,832,342-99,832,366 gives the same sequence; the c. name uses the placement nearest the transcript's 3' end. VCF-style (leftmost placement, unchanged base first): chr8-99832341-A-ATTTTTTTTTTTTT. GRCh37 (hg19) VCF-style: chr8-100844569-A-ATTTTTTTTTTTTT.
Other names: c.9406-15_9406-3dup (NM_017890.5).
Identifiers: ClinVar variation 3044391 (VCV003044391.2), dbSNP rs370235149, ClinGen allele CA1117121054.

ClinVar aggregate classification (germline): Likely benign (0 of 4 stars; one submission).

Conditions:
VPS13B-related disorder. Also called: VPS13B-related condition.

Submission:

PreventionGenetics, part of Exact Sciences
Classification: Likely benign for VPS13B-related condition. Last evaluated: 2021-08-04. Review status: no assertion criteria provided. Collection method: clinical testing. Allele origin: germline.
Comment: This variant is classified as likely benign based on ACMG/AMP sequence variant interpretation guidelines (Richards et al. 2015 PMID: 25741868, with internal and published modifications).